The following is an entry in ClinVar:

NM_001330078.2(NRXN1):c.4022C>G (p.Thr1341Ser)

Gene: NRXN1 (neurexin 1; minus strand). Cytogenetic location: 2p16.3.
Variant type: single nucleotide variant.
Coding change: c.4022C>G on transcript NM_001330078.2 (MANE Select); coding-DNA position 4022, C replaced by G.
Protein change: p.Thr1341Ser; replaces threonine 1341 with serine.
Molecular consequence: missense variant.
Genome position (GRCh38, 1-based): chr2:50,053,377, G>C on the plus strand (C>G on the coding strand, the complement: NRXN1 is on the minus strand). VCF-style: chr2-50053377-G-C. GRCh37 (hg19) VCF-style: chr2-50280515-G-C.
Other names: c.827C>G, p.Thr276Ser (NM_001330097.2, NM_138735.5); c.3932C>G, p.Thr1311Ser (NM_004801.6); c.3998C>G, p.Thr1333Ser (NM_001330082.2, NM_001330077.2); c.3866C>G, p.Thr1289Ser (NM_001330083.2); c.3956C>G, p.Thr1319Ser (NM_001330084.2); c.3995C>G, p.Thr1332Ser (NM_001330085.2); c.4022C>G, p.Thr1341Ser (NM_001330086.2); c.3821C>G, p.Thr1274Ser (NM_001330087.2, NM_001330096.2); and 6 more; short protein forms T1274S, T1284S, T1319S, T1341S, T1381S, T306S, T1289S, T1332S.
Identifiers: ClinVar variation 2979309 (VCV002979309.3), dbSNP rs1294187127, ClinGen allele CA346819555.

ClinVar aggregate classification (germline): Uncertain significance (1 of 4 stars; one submission).

Conditions:
Pitt-Hopkins-like syndrome 2 (PTHSL2). Identifiers: Orphanet 221150, Orphanet 600663, MedGen C3280479, MONDO:0013690, OMIM 614325.

Allele frequency attached by ClinVar (database versions not stated): gnomAD exomes 0.00001.
gnomAD v4.1: 4 of 1,614,028 alleles (0.00025%); highest among the groups gnomAD compares: Admixed American, 0.0067%; no homozygotes.

Submission:

Labcorp Genetics (formerly Invitae), Labcorp
Classification: Uncertain significance for Pitt-Hopkins-like syndrome 2. Last evaluated: 2025-12-23. Review status: criteria provided, single submitter. Criteria: Invitae Variant Classification Sherloc (09022015). Collection method: clinical testing. Allele origin: germline.
Comment: This sequence change replaces threonine, which is neutral and polar, with serine, which is neutral and polar, at codon 1381 of the NRXN1 protein (p.Thr1381Ser). This variant is present in population databases (no rsID available, gnomAD 0.006%). This variant has not been reported in the literature in individuals affected with NRXN1-related conditions. ClinVar contains an entry for this variant (Variation ID: 2979309). Invitae Evidence Modeling of protein sequence and biophysical properties (such as structural, functional, and spatial information, amino acid conservation, physicochemical variation, residue mobility, and thermodynamic stability) indicates that this missense variant is not expected to disrupt NRXN1 protein function with a negative predictive value of 80%. In summary, the available evidence is currently insufficient to determine the role of this variant in disease. Therefore, it has been classified as a Variant of Uncertain Significance.